The following is an entry in ClinVar:

NM_002582.4(PARN):c.1434C>T (p.Asp478=)

Gene: PARN (poly(A)-specific ribonuclease; minus strand). Cytogenetic location: 16p13.12.
Variant type: single nucleotide variant.
Coding change: c.1434C>T on transcript NM_002582.4 (MANE Select); coding-DNA position 1434, C replaced by T.
Protein change: p.Asp478=; no amino-acid change (aspartic acid 478 retained).
Molecular consequence: synonymous variant.
Genome position (GRCh38, 1-based): chr16:14,552,067, G>A on the plus strand (C>T on the coding strand, the complement: PARN is on the minus strand). VCF-style: chr16-14552067-G-A. GRCh37 (hg19) VCF-style: chr16-14645924-G-A.
Other names: c.1251C>T, p.Asp417= (NM_001134477.3); c.1296C>T, p.Asp432= (NM_001242992.2).
Identifiers: ClinVar variation 730335 (VCV000730335.14), dbSNP rs368012289, ClinGen allele CA7912018.

ClinVar aggregate classification (germline): Likely benign. Review status: criteria provided, multiple submitters, no conflicts (2 of 4 stars). 3 submissions from 3 submitters: Likely benign (2). 1 of the submissions does not count toward it. Last evaluated 2025-08-11.

Conditions:
PARN-related disorder. Also called: PARN-related disorders; PARN-related condition.
Dyskeratosis congenita, autosomal recessive 6 (DKCB6). Identifiers: MedGen C4225356, MONDO:0014600, OMIM 616353.
Pulmonary fibrosis and/or bone marrow failure, Telomere-related, 4. Also called: PULMONARY FIBROSIS AND/OR BONE MARROW FAILURE SYNDROME, TELOMERE-RELATED, 4. Identifiers: Orphanet 2032, MedGen C4225347, MONDO:0014612, OMIM 616371.

Allele frequency attached by ClinVar (database versions not stated): ESP Exome Variant Server 0.00017; 1000 Genomes Project 0.00020; gnomAD 0.00021 and 0.00023; TOPMed 0.00022; gnomAD exomes 0.00002 and 0.00007; ExAC 0.00008; 1000 Genomes Project 30x 0.00016.
gnomAD v4.1: 60 of 1,611,760 alleles (0.0037%); highest among the groups gnomAD compares: African/African-American, 0.072%; no homozygotes.

Submissions (3):

Labcorp Genetics (formerly Invitae), Labcorp
Classification: Likely benign for Dyskeratosis congenita, autosomal recessive 6; Pulmonary fibrosis and/or bone marrow failure, Telomere-related, 4. Last evaluated: 2025-08-11. Review status: criteria provided, single submitter. Criteria: Invitae Variant Classification Sherloc (09022015). Collection method: clinical testing. Allele origin: germline.

Blueprint Genetics
Classification: Likely benign. Last evaluated: 2024-09-20. Review status: criteria provided, single submitter. Criteria: ACMG Guidelines, 2015. Collection method: clinical testing. Allele origin: germline.

PreventionGenetics, part of Exact Sciences
Classification: Likely benign for PARN-related condition. Last evaluated: 2021-06-23. Review status: no assertion criteria provided. Collection method: clinical testing. Allele origin: germline. Not counted in ClinVar's aggregate classification.
Comment: This variant is classified as likely benign based on ACMG/AMP sequence variant interpretation guidelines (Richards et al. 2015 PMID: 25741868, with internal and published modifications).